The following is an entry in ClinVar:

NM_000059.4(BRCA2):c.3263C>T (p.Pro1088Leu)

Gene: BRCA2 (BRCA2 DNA repair associated; plus strand). Cytogenetic location: 13q13.1.
Variant type: single nucleotide variant.
Coding change: c.3263C>T on transcript NM_000059.4 (MANE Select); coding-DNA position 3263, C replaced by T.
Protein change: p.Pro1088Leu; replaces proline 1088 with leucine.
Molecular consequence: missense variant.
Genome position (GRCh38, 1-based): chr13:32,337,618, C>T. VCF-style: chr13-32337618-C-T. GRCh37 (hg19) VCF-style: chr13-32911755-C-T.
Other names: short protein forms P1088L.
Identifiers: ClinVar variation 233378 (VCV000233378.27), dbSNP rs876660365, ClinGen allele CA10579569.

ClinVar aggregate classification (germline): Conflicting classifications of pathogenicity. Review status: criteria provided, conflicting classifications (1 of 4 stars). 8 submissions from 8 submitters: Uncertain significance (5); Likely benign (3). Last evaluated 2025-03-04.

Conditions:
Hereditary cancer-predisposing syndrome. Also called: Tumor predisposition; Hereditary Cancer Syndrome; Hereditary neoplastic syndrome; Neoplastic Syndromes, Hereditary. Identifiers: Orphanet 140162, MedGen C0027672, MeSH D009386, MONDO:0015356.
Hereditary breast ovarian cancer syndrome. Also called: Hereditary breast and ovarian cancer; Breast and ovarian cancer; BRCA1- and BRCA2-Associated Hereditary Breast and Ovarian Cancer; Hereditary breast and ovarian cancer syndrome; Hereditary breast and ovarian cancer syndrome (HBOC); Hereditary breast and/or ovarian cancer syndrome. Identifiers: Orphanet 145, MedGen C0677776, MeSH D061325, MONDO:0003582. Disease mechanism: loss of function.
Breast-ovarian cancer, familial, susceptibility to, 2 (BROVCA2). Also called: BRCA2 Hereditary Breast and Ovarian Cancer. Identifiers: Orphanet 145, MedGen C2675520, MONDO:0012933, OMIM 612555. Disease mechanism: loss of function.

Allele frequency attached by ClinVar (database versions not stated): gnomAD exomes below 0.00001; TOPMed 0.00001.

Submissions (8):

Center for Genomic Medicine, Rigshospitalet, Copenhagen University Hospital
Classification: Likely benign. Last evaluated: 2025-03-04. Review status: criteria provided, single submitter. Criteria: ACMG Guidelines, 2015. Collection method: clinical testing. Allele origin: germline.

Molecular Diagnostics Laboratory, Catalan Institute of Oncology
Classification: Likely benign for Hereditary cancer-predisposing syndrome. Last evaluated: 2025-02-04. Review status: criteria provided, single submitter. Criteria: ClinGen BRCA1BRCA2 ACMG Specifications BRCA2 V1.0.0. Collection method: clinical testing. Allele origin: germline.
Comment: BP1_strong c.3263C>T, located in exon 11 of the BRCA2 gene, is predicted to result in the substitution of Proline by Leucine at codon 1088, p.(Pro1088Leu). This position is outside a (potentially) clinically important functional domain and, moreover, the SpliceAI algorithm predicts no significant impact on splicing (BP1_strong). This variant is found in 1/218380 alleles at a frequency of 0.0004% in the gnomAD v2.1.1 database, non-cancer dataset. To our knowledge, neither multifactorial analysis nor well-stablished functional studies have been reported for this variant. It has been reported in ClinVar (2x LB, 5x VUS). Based on the currently available information, c.3263C>T is classified as a likely benign variant according to ClinGen-BRCA2 Guidelines version 1.

All of Us Research Program, National Institutes of Health
Classification: Uncertain significance for Breast-ovarian cancer, familial, susceptibility to, 2. Last evaluated: 2023-12-13. Review status: criteria provided, single submitter. Criteria: ACMG Guidelines, 2015. Collection method: clinical testing. Allele origin: germline. Inheritance: Autosomal dominant inheritance. Observed: 2 variant alleles, 2 heterozygotes.
Comment: This missense variant replaces proline with leucine at codon 1088 of the BRCA2 protein. Computational prediction suggests that this variant may not impact protein structure and function (internally defined REVEL score threshold <= 0.5, PMID: 27666373). To our knowledge, functional studies have not been reported for this variant. This variant has been detected in a breast cancer case-control meta-analysis in 2/60463 cases and 2/53461 unaffected individuals (PMID: 33471991; Leiden Open Variation Database DB-ID BRCA2_002990). This variant has been identified in 1/232856 chromosomes in the general population by the Genome Aggregation Database (gnomAD). The available evidence is insufficient to determine the role of this variant in disease conclusively. Therefore, this variant is classified as a Variant of Uncertain Significance.

This study involves interpretation of variants in research participants for the purpose of population health screening. Participant phenotype was not available at the time of variant classification. Additional details can be found in publication PMID: 35346344, PMCID: PMC8962531

Color Diagnostics, LLC DBA Color Health
Classification: Uncertain significance for Hereditary cancer-predisposing syndrome. Last evaluated: 2023-06-07. Review status: criteria provided, single submitter. Criteria: ACMG Guidelines, 2015. Collection method: clinical testing. Allele origin: germline.
Comment: This missense variant replaces proline with leucine at codon 1088 of the BRCA2 protein. Computational prediction suggests that this variant may not impact protein structure and function (internally defined REVEL score threshold <= 0.5, PMID: 27666373). To our knowledge, functional studies have not been reported for this variant. This variant has been detected in a breast cancer case-control meta-analysis in 2/60463 cases and 2/53461 unaffected individuals (PMID: 33471991; Leiden Open Variation Database DB-ID BRCA2_002990). This variant has been identified in 1/232856 chromosomes in the general population by the Genome Aggregation Database (gnomAD). The available evidence is insufficient to determine the role of this variant in disease conclusively. Therefore, this variant is classified as a Variant of Uncertain Significance.

Ambry Genetics
Classification: Uncertain significance for Hereditary cancer-predisposing syndrome. Last evaluated: 2023-06-06. Review status: criteria provided, single submitter. Criteria: Ambry Variant Classification Scheme 2023. Collection method: clinical testing. Allele origin: germline.
Comment: The p.P1088L variant (also known as c.3263C>T), located in coding exon 10 of the BRCA2 gene, results from a C to T substitution at nucleotide position 3263. The proline at codon 1088 is replaced by leucine, an amino acid with similar properties. This amino acid position is well conserved in available vertebrate species. In addition, this alteration is predicted to be tolerated by in silico analysis. Since supporting evidence is limited at this time, the clinical significance of this alteration remains unclear.

University of Washington Department of Laboratory Medicine, University of Washington
Classification: Likely benign for Hereditary cancer-predisposing syndrome. Last evaluated: 2023-03-23. Review status: criteria provided, single submitter. Criteria: Dines et al. (Genet Med. 2020). Collection method: curation. Allele origin: germline.
Comment: Missense variant in a coldspot region where missense variants are very unlikely to be pathogenic (PMID:31911673).

BRCA2 exon 11 coldspot. Reclassification based on statistical prior probability.

Labcorp Genetics (formerly Invitae), Labcorp
Classification: Uncertain significance for Hereditary breast ovarian cancer syndrome. Last evaluated: 2023-03-07. Review status: criteria provided, single submitter. Criteria: Invitae Variant Classification Sherloc (09022015). Collection method: clinical testing. Allele origin: germline.
Comment: This sequence change replaces proline, which is neutral and non-polar, with leucine, which is neutral and non-polar, at codon 1088 of the BRCA2 protein (p.Pro1088Leu). This variant is present in population databases (no rsID available, gnomAD 0.0009%). This variant has not been reported in the literature in individuals affected with BRCA2-related conditions. ClinVar contains an entry for this variant (Variation ID: 233378). Advanced modeling of protein sequence and biophysical properties (such as structural, functional, and spatial information, amino acid conservation, physicochemical variation, residue mobility, and thermodynamic stability) performed at Invitae indicates that this missense variant is not expected to disrupt BRCA2 protein function. In summary, the available evidence is currently insufficient to determine the role of this variant in disease. Therefore, it has been classified as a Variant of Uncertain Significance.

GeneDx
Classification: Uncertain significance. Last evaluated: 2020-02-11. Review status: criteria provided, single submitter. Criteria: GeneDx Variant Classification Process June 2021. Collection method: clinical testing. Allele origin: germline. Affected: yes.
Comment: Not observed at a significant frequency in large population cohorts (Lek 2016); In silico analysis supports that this missense variant has a deleterious effect on protein structure/function; Has not been previously published as pathogenic or benign to our knowledge; Also known as 3491C>T

Literature cited by the submitters: PubMed 33471991 (cited by All of Us Research Program, National Institutes of Health and Color Diagnostics, LLC DBA Color Health).